The following is an entry in ClinVar:

NM_022726.4(ELOVL4):c.580A>G (p.Ile194Val)

Gene: ELOVL4 (ELOVL fatty acid elongase 4; minus strand). Cytogenetic location: 6q14.1.
Variant type: single nucleotide variant.
Coding change: c.580A>G on transcript NM_022726.4 (MANE Select); coding-DNA position 580, A replaced by G.
Protein change: p.Ile194Val; replaces isoleucine 194 with valine.
Molecular consequence: missense variant.
Genome position (GRCh38, 1-based): chr6:79,919,509, T>C on the plus strand (A>G on the coding strand, the complement: ELOVL4 is on the minus strand). VCF-style: chr6-79919509-T-C. GRCh37 (hg19) VCF-style: chr6-80629226-T-C.
Other names: short protein forms I194V.
Identifiers: ClinVar variation 2228644 (VCV002228644.2), dbSNP rs2532971439, ClinGen allele CA364656327.

ClinVar aggregate classification (germline): Uncertain significance (1 of 4 stars; one submission).

Conditions:
Inborn genetic diseases. Identifiers: MedGen C0950123, MeSH D030342.

Submission:

Ambry Genetics
Classification: Uncertain significance for Inborn genetic diseases. Last evaluated: 2021-01-28. Review status: criteria provided, single submitter. Criteria: Ambry Variant Classification Scheme 2023. Collection method: clinical testing. Allele origin: germline.
Comment: The c.580A>G (p.I194V) alteration is located in exon 5 (coding exon 5) of the ELOVL4 gene. This alteration results from a A to G substitution at nucleotide position 580, causing the isoleucine (I) at amino acid position 194 to be replaced by a valine (V). The p.I194V alteration is predicted to be tolerated by in silico analysis. Based on insufficient or conflicting evidence, the clinical significance of this alteration remains unclear.